The following is an entry in ClinVar:

ClinVar aggregate classification (germline): Uncertain significance. Review status: criteria provided, multiple submitters, no conflicts (2 of 4 stars). 4 submissions from 4 submitters: Uncertain significance (4). Last evaluated 2025-08-03.

Conditions:
Aland island eye disease (AIED). Also called: Forsius Eriksson type ocular albinism. Identifiers: Orphanet 178333, MedGen C0268505, MONDO:0010371, OMIM 300600.
X-linked cone-rod dystrophy 3 (CORDX3). Identifiers: Orphanet 1872, MedGen C1845407, MONDO:0010335, OMIM 300476.
Congenital stationary night blindness 2A (CSNB2A). Also called: CSNB, INCOMPLETE, X-LINKED; NIGHT BLINDNESS, CONGENITAL STATIONARY, TYPE 2; CACNA1F-Related X-Linked Congenital Stationary Night Blindness; Night blindness, congenital stationary (incomplete), 2A, X-linked. Identifiers: Orphanet 215, MedGen C1848172, MONDO:0010241, OMIM 300071.

Allele frequency attached by ClinVar (database versions not stated): ExAC 0.00002.
gnomAD v4.1: 5 of 1,206,676 alleles (0.00041%); highest among the groups gnomAD compares: Non-Finnish European, 0.00056%; no homozygotes.

Submissions (4):

Labcorp Genetics (formerly Invitae), Labcorp
Classification: Uncertain significance. Last evaluated: 2025-08-03. Review status: criteria provided, single submitter. Criteria: Invitae Variant Classification Sherloc (09022015). Collection method: clinical testing. Allele origin: germline.
Comment: This sequence change replaces arginine, which is basic and polar, with glutamine, which is neutral and polar, at codon 1060 of the CACNA1F protein (p.Arg1060Gln). The frequency data for this variant in the population databases is considered unreliable, as metrics indicate poor data quality at this position in the gnomAD database. This variant has not been reported in the literature in individuals affected with CACNA1F-related conditions. ClinVar contains an entry for this variant (Variation ID: 1951580). Invitae Evidence Modeling of protein sequence and biophysical properties (such as structural, functional, and spatial information, amino acid conservation, physicochemical variation, residue mobility, and thermodynamic stability) indicates that this missense variant is expected to disrupt CACNA1F protein function with a positive predictive value of 80%. In summary, the available evidence is currently insufficient to determine the role of this variant in disease. Therefore, it has been classified as a Variant of Uncertain Significance.

Blueprint Genetics
Classification: Uncertain significance. Last evaluated: 2022-11-06. Review status: criteria provided, single submitter. Criteria: ACMG Guidelines, 2015. Collection method: clinical testing. Allele origin: germline.

GeneDx
Classification: Uncertain significance. Last evaluated: 2022-07-25. Review status: criteria provided, single submitter. Criteria: GeneDx Variant Classification Process June 2021. Collection method: clinical testing. Allele origin: germline. Affected: yes.
Comment: In silico analysis supports that this missense variant has a deleterious effect on protein structure/function; Has not been previously published as pathogenic or benign to our knowledge

Juno Genomics, Hangzhou Juno Genomics, Inc
Classification: Uncertain significance for Aland island eye disease; X-linked cone-rod dystrophy 3; Congenital stationary night blindness 2A. Review status: criteria provided, single submitter. Criteria: ACMG Guidelines, 2015. Collection method: clinical testing. Allele origin: germline.
Comment: Absent from controls (or at extremely low frequency if recessive) in Genome Aggregation Database.;Multiple lines of computational evidence support a deleterious effect on the gene or gene product.

NM_001256789.3(CACNA1F):c.3146G>A (p.Arg1049Gln)

Gene: CACNA1F (calcium voltage-gated channel subunit alpha1 F; minus strand). Cytogenetic location: Xp11.23.
Variant type: single nucleotide variant.
Coding change: c.3146G>A on transcript NM_001256789.3 (MANE Select); coding-DNA position 3146, G replaced by A.
Protein change: p.Arg1049Gln; replaces arginine 1049 with glutamine.
Molecular consequence: missense variant.
Genome position (GRCh38, 1-based): chrX:49,216,472, C>T on the plus strand (G>A on the coding strand, the complement: CACNA1F is on the minus strand). VCF-style: chrX-49216472-C-T. GRCh37 (hg19) VCF-style: chrX-49072932-C-T.
Other names: c.3179G>A (NM_005183.2); c.2984G>A, p.Arg995Gln (NM_001256790.3); c.3179G>A, p.Arg1060Gln (NM_005183.4); short protein forms R1049Q, R1060Q, R995Q.
Identifiers: ClinVar variation 1951580 (VCV001951580.10), dbSNP rs5906755, ClinGen allele CA10410520.